The following is an entry in ClinVar:

NM_000371.4(TTR):c.142G>A (p.Val48Met)

Gene: TTR (transthyretin; plus strand). Cytogenetic location: 18q12.1.
Variant type: single nucleotide variant.
Coding change: c.142G>A on transcript NM_000371.4 (MANE Select); coding-DNA position 142, G replaced by A.
Protein change: p.Val48Met; replaces valine 48 with methionine.
Molecular consequence: missense variant.
Genome position (GRCh38, 1-based): chr18:31,592,968, G>A. VCF-style: chr18-31592968-G-A. GRCh37 (hg19) VCF-style: chr18-29172931-G-A.
Other names: short protein forms V48M.
Identifiers: ClinVar variation 4193819 (VCV004193819.2).

ClinVar aggregate classification (germline): Likely pathogenic. Review status: criteria provided, multiple submitters, no conflicts (2 of 4 stars). 2 submissions from 2 submitters: Likely pathogenic (2). Last evaluated 2025-11-17.

Conditions:
Cardiovascular phenotype. Identifiers: MedGen CN230736.
Amyloidosis, hereditary systemic 1 (AMYLD1). Also called: AMYLOID CARDIOMYOPATHY; Hereditary oculoleptomeningeal amyloid angiopathy; Familial Transthyretin Amyloidosis; Hereditary Transthyretin Amyloidosis; Familial amyloid polyneuropathy; Transthyretin Amyloidosis. Identifiers: Orphanet 85447, Orphanet 85451, MedGen C2751492, MONDO:0971004, OMIM 105210.

Submissions (2):

Mendelics
Classification: Likely pathogenic for Amyloidosis, hereditary systemic 1. Last evaluated: 2025-11-17. Review status: criteria provided, single submitter. Criteria: ACMG Guidelines, 2015. Collection method: curation. Allele origin: unknown.
Comment: Vartiant NM_000371.4(TTR):c.142G>A (p.Val48Met) is absent in GnomAD v4.1.0. Valine at position 48 is highly conserved across diverse biological species, and in silico pathogenicity prediction programs are conflicting regarding the deleterious potential of this substitution. This variant has been previously described in the medical literature, in multiple circumstances, associated with amyloidosis, thus being considered probably pathogenic (PMID: 10882995, 24101130, 29524093, 34755769)..

Ambry Genetics
Classification: Likely pathogenic for Cardiovascular phenotype. Last evaluated: 2025-09-11. Review status: criteria provided, single submitter. Criteria: Ambry Variant Classification Scheme 2023. Collection method: clinical testing. Allele origin: germline.
Comment: The p.V48M variant (also known as c.142G>A), located in coding exon 2 of the TTR gene, results from a G to A substitution at nucleotide position 142. The valine at codon 48 is replaced by methionine, an amino acid with highly similar properties. This variant, which is also known as p.V28M, was reported in individual(s) with features consistent with transthyretin (TTR) amyloidosis and related cardiomyopathy (de Carvalho M et al. Muscle Nerve, 2000 Jul;23:1016-21; Said G et al. J Neurol Sci, 2009 Sep;284:149-54; Dohrn MF et al. J Neurol, 2013 Dec;260:3093-108; Suhr OB et al. Transplantation, 2016 Feb;100:373-81; Martens B et al. Acta Neurol Belg, 2018 Jun;118:179-185; Nomura T et al. Orphanet J Rare Dis, 2019 May;14:116; Sequeira VCC et al. Arq Neuropsiquiatr, 2022 Mar;80:262-269). This variant is considered to be rare based on population cohorts in the Genome Aggregation Database (gnomAD). This amino acid position is well conserved in available vertebrate species. In addition, this alteration is predicted to be deleterious by in silico analysis. Based on the majority of available evidence to date, this variant is likely to be pathogenic.

Literature cited by the submitters: PubMed 10882995 (cited by Mendelics and Ambry Genetics); PubMed 24101130 (cited by Mendelics and Ambry Genetics); PubMed 29524093 (cited by Mendelics and Ambry Genetics); PubMed 34755769 (cited by Mendelics and Ambry Genetics); PubMed 19467548 (cited by Ambry Genetics); PubMed 26656838 (cited by Ambry Genetics); PubMed 31133063 (cited by Ambry Genetics).